The following is an entry in ClinVar:

NM_001130438.3(SPTAN1):c.1323+3A>T

Gene: SPTAN1 (spectrin alpha, non-erythrocytic 1; plus strand). Cytogenetic location: 9q34.11.
Variant type: single nucleotide variant.
Coding change: c.1323+3A>T on transcript NM_001130438.3 (MANE Select); 3 bases into the intron after coding-DNA position 1323, A replaced by T.
Molecular consequence: intron variant.
Genome position (GRCh38, 1-based): chr9:128,579,741, A>T. VCF-style: chr9-128579741-A-T. GRCh37 (hg19) VCF-style: chr9-131342020-A-T.
Other names: c.1359+3A>T (NM_001375318.1, NM_001375312.2); c.1323+3A>T (NM_001375311.2, NM_001375314.2, NM_001375310.1 and 5 more transcripts).
Identifiers: ClinVar variation 3021233 (VCV003021233.3), dbSNP rs2541095113, ClinGen allele CA2691928651.

ClinVar aggregate classification (germline): Uncertain significance (1 of 4 stars; one submission).

Conditions:
Early-infantile DEE. Also called: Early infantile epileptic encephalopathy with suppression bursts; Early infantile epileptic encephalopathy; Ohtahara syndrome. Identifiers: Orphanet 1934, MedGen C0393706, MONDO:0800491.

Allele frequency attached by ClinVar (database versions not stated): gnomAD exomes below 0.00001.
gnomAD v4.1: 1 of 1,612,878 alleles (0.000062%); highest among the groups gnomAD compares: South Asian, 0.0011%; no homozygotes.

Submission:

Labcorp Genetics (formerly Invitae), Labcorp
Classification: Uncertain significance for Early-infantile DEE. Last evaluated: 2023-07-21. Review status: criteria provided, single submitter. Criteria: Invitae Variant Classification Sherloc (09022015). Collection method: clinical testing. Allele origin: germline.
Comment: Variants that disrupt the consensus splice site are a relatively common cause of aberrant splicing (PMID: 17576681, 9536098). Algorithms developed to predict the effect of sequence changes on RNA splicing suggest that this variant may create or strengthen a splice site. In summary, the available evidence is currently insufficient to determine the role of this variant in disease. Therefore, it has been classified as a Variant of Uncertain Significance. This sequence change falls in intron 10 of the SPTAN1 gene. It does not directly change the encoded amino acid sequence of the SPTAN1 protein. It affects a nucleotide within the consensus splice site. This variant is not present in population databases (gnomAD no frequency). This variant has not been reported in the literature in individuals affected with SPTAN1-related conditions.

Literature cited by the submitters: PubMed 17576681; PubMed 9536098.